The following is an entry in ClinVar:

ClinVar aggregate classification (germline): Uncertain significance (1 of 4 stars; one submission).

Submission:

Labcorp Genetics (formerly Invitae), Labcorp
Classification: Uncertain significance. Last evaluated: 2019-09-04. Review status: criteria provided, single submitter. Criteria: Invitae Variant Classification Sherloc (09022015). Collection method: clinical testing. Allele origin: germline.
Comment: In summary, the available evidence is currently insufficient to determine the role of this variant in disease. Therefore, it has been classified as a Variant of Uncertain Significance. Algorithms developed to predict the effect of missense changes on protein structure and function are either unavailable or do not agree on the potential impact of this missense change (SIFT: "Deleterious"; PolyPhen-2: "Possibly Damaging"; Align-GVGD: "Class C0"). This variant has not been reported in the literature in individuals with ADGRV1-related conditions. This variant is not present in population databases (ExAC no frequency). This sequence change replaces serine with asparagine at codon 1824 of the ADGRV1 protein (p.Ser1824Asn). The serine residue is highly conserved and there is a small physicochemical difference between serine and asparagine.

NM_032119.4(ADGRV1):c.5471G>A (p.Ser1824Asn)

Gene: ADGRV1 (adhesion G protein-coupled receptor V1; plus strand). Cytogenetic location: 5q14.3.
Variant type: single nucleotide variant.
Coding change: c.5471G>A on transcript NM_032119.4 (MANE Select); coding-DNA position 5471, G replaced by A.
Protein change: p.Ser1824Asn; replaces serine 1824 with asparagine.
Molecular consequence: missense variant. On other transcripts: non-coding transcript variant (1).
Genome position (GRCh38, 1-based): chr5:90,679,576, G>A. VCF-style: chr5-90679576-G-A. GRCh37 (hg19) VCF-style: chr5-89975393-G-A.
Other names: short protein forms S1824N.
Identifiers: ClinVar variation 956876 (VCV000956876.9), dbSNP rs1744672796, ClinGen allele CA360411995.